The following is an entry in ClinVar:

ClinVar aggregate classification (germline): Uncertain significance (1 of 4 stars; one submission).

gnomAD v4.1: 1 of 1,612,382 alleles (0.000062%); no homozygotes.

Submission:

GeneDx
Classification: Uncertain significance. Last evaluated: 2023-07-26. Review status: criteria provided, single submitter. Criteria: GeneDx Variant Classification Process June 2021. Collection method: clinical testing. Allele origin: germline. Affected: yes.
Comment: Not observed at significant frequency in large population cohorts (gnomAD); In silico analysis supports that this missense variant does not alter protein structure/function; Has not been previously published as pathogenic or benign to our knowledge

NM_001256012.3(MYH10):c.3976C>T (p.Leu1326Phe)

Gene: MYH10 (myosin heavy chain 10; minus strand). Cytogenetic location: 17p13.1.
Variant type: single nucleotide variant.
Coding change: c.3976C>T on transcript NM_001256012.3 (MANE Select); coding-DNA position 3976, C replaced by T.
Protein change: p.Leu1326Phe; replaces leucine 1326 with phenylalanine.
Molecular consequence: missense variant.
Genome position (GRCh38, 1-based): chr17:8,495,217, G>A on the plus strand (C>T on the coding strand, the complement: MYH10 is on the minus strand). VCF-style: chr17-8495217-G-A. GRCh37 (hg19) VCF-style: chr17-8398535-G-A.
Other names: c.3910C>T, p.Leu1304Phe (NM_001256095.2); c.3913C>T, p.Leu1305Phe (NM_001375266.1); c.3883C>T, p.Leu1295Phe (NM_005964.5); short protein forms L1295F, L1304F, L1305F, L1326F.
Identifiers: ClinVar variation 3361590 (VCV003361590.1).